The following is an entry in ClinVar:

NM_000080.4(CHRNE):c.629G>A (p.Cys210Tyr)

Genes: C17orf107 (chromosome 17 open reading frame 107; plus strand), CHRNE (cholinergic receptor nicotinic epsilon subunit; minus strand). Cytogenetic location: 17p13.2.
Variant type: single nucleotide variant.
Coding change: c.629G>A on transcript NM_000080.4 (MANE Select); coding-DNA position 629, G replaced by A.
Protein change: p.Cys210Tyr; replaces cysteine 210 with tyrosine.
Molecular consequence: missense variant. On other transcripts: 3 prime UTR variant (1).
Genome position (GRCh38, 1-based): chr17:4,901,163, C>T on the plus strand (G>A on the coding strand, the complement: CHRNE is on the minus strand). VCF-style: chr17-4901163-C-T. GRCh37 (hg19) VCF-style: chr17-4804458-C-T.
Other names: c.*630C>T (NM_001145536.2); short protein forms C210Y.
Identifiers: ClinVar variation 3653882 (VCV003653882.2).
Genomic context (GRCh38, chr17:4,901,163, plus strand): 5'-ACGTCAGTCTCCCCTGGGCCGTCGGTGGCGCCACCGTGGTGGCGGCGGATCACCCCCGGG[C>T]AGAAGTCGATGGCCCACTCGCCGTTCTCTGCGGGACGGGGGCACGGTCAGCTGGCTGTCA-3'
Protein context (NP_000071.1, residues 200-220): TENGEWAIDF[Cys210Tyr]PGVIRRHHGG

ClinVar aggregate classification (germline): Uncertain significance (1 of 4 stars; one submission).

Conditions:
Congenital myasthenic syndrome 4A. Also called: Myasthenic syndrome, congenital, 4a, slow-channel; CONGENITAL MYASTHENIC SYNDROME TYPE Ia1; MYASTHENIC SYNDROME, CONGENITAL, 4A, SLOW-CHANNEL, AUTOSOMAL RECESSIVE. Identifiers: Orphanet 590, MedGen C4225413, MONDO:0011600, OMIM 605809.

gnomAD v4.1: 1 of 1,608,674 alleles (0.000062%); highest among the groups gnomAD compares: South Asian, 0.0011%; no homozygotes.

Submission:

Labcorp Genetics (formerly Invitae), Labcorp
Classification: Uncertain significance for Congenital myasthenic syndrome 4A. Last evaluated: 2024-05-19. Review status: criteria provided, single submitter. Criteria: Invitae Variant Classification Sherloc (09022015). Collection method: clinical testing. Allele origin: germline.
Comment: This sequence change replaces cysteine, which is neutral and slightly polar, with tyrosine, which is neutral and polar, at codon 210 of the CHRNE protein (p.Cys210Tyr). The frequency data for this variant in the population databases is considered unreliable, as metrics indicate poor data quality at this position in the gnomAD database. This missense change has been observed in individual(s) with clinical features of autosomal recessive congenital myasthenic syndrome (Invitae). Advanced modeling of protein sequence and biophysical properties (such as structural, functional, and spatial information, amino acid conservation, physicochemical variation, residue mobility, and thermodynamic stability) performed at Invitae indicates that this missense variant is not expected to disrupt CHRNE protein function with a negative predictive value of 95%. In summary, the available evidence is currently insufficient to determine the role of this variant in disease. Therefore, it has been classified as a Variant of Uncertain Significance.